The following is an entry in ClinVar:

ClinVar aggregate classification (germline): Uncertain significance. Review status: criteria provided, multiple submitters, no conflicts (2 of 4 stars). 2 submissions from 2 submitters: Uncertain significance (2). Last evaluated 2022-12-13.

Conditions:
Inborn genetic diseases. Identifiers: MedGen C0950123, MeSH D030342.

Allele frequency attached by ClinVar (database versions not stated): TOPMed 0.00003; gnomAD 0.00004; 1000 Genomes Project 30x 0.00016; 1000 Genomes Project 0.00020.
gnomAD v4.1: 18 of 1,559,786 alleles (0.0012%); highest among the groups gnomAD compares: East Asian, 0.012%; no homozygotes.

Submissions (2):

Ambry Genetics
Classification: Uncertain significance for Inborn genetic diseases. Last evaluated: 2022-12-13. Review status: criteria provided, single submitter. Criteria: Ambry Variant Classification Scheme 2023. Collection method: clinical testing. Allele origin: germline.

Labcorp Genetics (formerly Invitae), Labcorp
Classification: Uncertain significance. Last evaluated: 2022-08-15. Review status: criteria provided, single submitter. Criteria: Invitae Variant Classification Sherloc (09022015). Collection method: clinical testing. Allele origin: germline.
Comment: This sequence change replaces arginine, which is basic and polar, with glutamine, which is neutral and polar, at codon 1271 of the MYO18B protein (p.Arg1271Gln). This variant is present in population databases (rs563587416, gnomAD 0.001%). This variant has not been reported in the literature in individuals affected with MYO18B-related conditions. ClinVar contains an entry for this variant (Variation ID: 1518146). Algorithms developed to predict the effect of missense changes on protein structure and function are either unavailable or do not agree on the potential impact of this missense change (SIFT: "Not Available"; PolyPhen-2: "Benign"; Align-GVGD: "Not Available"). Algorithms developed to predict the effect of sequence changes on RNA splicing suggest that this variant may disrupt the consensus splice site. In summary, the available evidence is currently insufficient to determine the role of this variant in disease. Therefore, it has been classified as a Variant of Uncertain Significance.

NM_032608.7(MYO18B):c.3812G>A (p.Arg1271Gln)

Gene: MYO18B (myosin XVIIIB; plus strand). Cytogenetic location: 22q12.1.
Variant type: single nucleotide variant.
Coding change: c.3812G>A on transcript NM_032608.7 (MANE Select); coding-DNA position 3812, G replaced by A.
Protein change: p.Arg1271Gln; replaces arginine 1271 with glutamine.
Molecular consequence: missense variant.
Genome position (GRCh38, 1-based): chr22:25,851,506, G>A. VCF-style: chr22-25851506-G-A. GRCh37 (hg19) VCF-style: chr22-26247473-G-A.
Other names: c.3815G>A, p.Arg1272Gln (NM_001318245.2); c.3812G>A (NM_032608.5); short protein forms R1271Q, R1272Q.
Identifiers: ClinVar variation 1518146 (VCV001518146.4), dbSNP rs563587416, ClinGen allele CA10160659.